The following is an entry in ClinVar:

NM_212482.4(FN1):c.2756C>T (p.Thr919Ile)

Gene: FN1 (fibronectin 1; minus strand). Cytogenetic location: 2q35.
Variant type: single nucleotide variant.
Coding change: c.2756C>T on transcript NM_212482.4 (MANE Select); coding-DNA position 2756, C replaced by T.
Protein change: p.Thr919Ile; replaces threonine 919 with isoleucine.
Molecular consequence: missense variant.
Genome position (GRCh38, 1-based): chr2:215,406,468, G>A on the plus strand (C>T on the coding strand, the complement: FN1 is on the minus strand). VCF-style: chr2-215406468-G-A. GRCh37 (hg19) VCF-style: chr2-216271191-G-A.
Other names: c.2756C>T, p.Thr919Ile (NM_001306129.2, NM_001306130.2, NM_001306131.2 and 13 more transcripts); short protein forms T919I.
Identifiers: ClinVar variation 4998487 (VCV004998487.1).

ClinVar aggregate classification (germline): Uncertain significance (1 of 4 stars; one submission).

Conditions:
FN1-related disorder. Also called: FN1-related condition.

gnomAD v4.1: 5 of 1,614,092 alleles (0.00031%); highest among the groups gnomAD compares: East Asian, 0.0089%; no homozygotes.

Submission:

PreventionGenetics, part of Exact Sciences
Classification: Uncertain significance for FN1-related condition. Last evaluated: 2025-02-21. Review status: criteria provided, single submitter. Criteria: ACMG Guidelines, 2015. Collection method: clinical testing. Allele origin: germline.
Comment: The FN1 c.2756C>T variant is predicted to result in the amino acid substitution p.Thr919Ile. To our knowledge, this variant has not been reported in the literature. This variant is reported in 0.0029% of alleles in individuals of Latino descent in gnomAD. At this time, the clinical significance of this variant is uncertain due to the absence of conclusive functional and genetic evidence.